The following is an entry in ClinVar:

NM_000392.5(ABCC2):c.3614+6G>C

Gene: ABCC2 (ATP binding cassette subfamily C member 2; plus strand). Cytogenetic location: 10q24.2.
Variant type: single nucleotide variant.
Coding change: c.3614+6G>C on transcript NM_000392.5 (MANE Select); 6 bases into the intron after coding-DNA position 3614, G replaced by C.
Molecular consequence: intron variant.
Genome position (GRCh38, 1-based): chr10:99,836,296, G>C. VCF-style: chr10-99836296-G-C. GRCh37 (hg19) VCF-style: chr10-101596053-G-C.
Other names: c.3614+6G>C (LRG_1208t1).
Identifiers: ClinVar variation 282550 (VCV000282550.15), dbSNP rs17222716, ClinGen allele CA5643865.

ClinVar aggregate classification (germline): Conflicting classifications of pathogenicity. Review status: criteria provided, conflicting classifications (1 of 4 stars). 3 submissions from 3 submitters: Uncertain significance (1); Likely benign (1). 1 of the submissions does not count toward it. Last evaluated 2026-01-26.

Conditions:
ABCC2-related disorder. Also called: ABCC2-related condition.

Allele frequency attached by ClinVar (database versions not stated): gnomAD exomes 0.00010 and 0.00036; ExAC 0.00048; gnomAD 0.00095 and 0.00103; 1000 Genomes Project 0.00100; ESP Exome Variant Server 0.00100; TOPMed 0.00107; 1000 Genomes Project 30x 0.00125.
gnomAD v4.1: 295 of 1,613,908 alleles (0.018%); highest among the groups gnomAD compares: African/African-American, 0.31%; 1 homozygote.

Submissions (3):

Labcorp Genetics (formerly Invitae), Labcorp
Classification: Likely benign. Last evaluated: 2026-01-26. Review status: criteria provided, single submitter. Criteria: Invitae Variant Classification Sherloc (09022015). Collection method: clinical testing. Allele origin: germline.

Eurofins Ntd Llc (ga)
Classification: Uncertain significance. Last evaluated: 2018-03-23. Review status: criteria provided, single submitter. Criteria: EGL ClinVar v180209 classification definitions. Collection method: clinical testing. Allele origin: germline. Observed: 5 variant alleles, 5 heterozygotes.

PreventionGenetics, part of Exact Sciences
Classification: Likely benign for ABCC2-related condition. Last evaluated: 2021-03-09. Review status: no assertion criteria provided. Collection method: clinical testing. Allele origin: germline. Not counted in ClinVar's aggregate classification.
Comment: This variant is classified as likely benign based on ACMG/AMP sequence variant interpretation guidelines (Richards et al. 2015 PMID: 25741868, with internal and published modifications).